The following is an entry in ClinVar:

NM_000202.8(IDS):c.458G>T (p.Trp153Leu)

Genes: IDS (iduronate 2-sulfatase; minus strand), LOC106050102 (IDS recombination region; plus strand). Cytogenetic location: Xq28.
Variant type: single nucleotide variant.
Coding change: c.458G>T on transcript NM_000202.8 (MANE Select); coding-DNA position 458, G replaced by T.
Protein change: p.Trp153Leu; replaces tryptophan 153 with leucine.
Molecular consequence: missense variant. On other transcripts: non-coding transcript variant (1).
Genome position (GRCh38, 1-based): chrX:149,500,998, C>A on the plus strand (G>T on the coding strand, the complement: IDS is on the minus strand). VCF-style: chrX-149500998-C-A. GRCh37 (hg19) VCF-style: chrX-148582529-C-A.
Other names: c.188G>T, p.Trp63Leu (NM_001166550.4); c.458G>T, p.Trp153Leu (NM_006123.5); short protein forms W153L, W63L.
Identifiers: ClinVar variation 3255743 (VCV003255743.2).

ClinVar aggregate classification (germline): Pathogenic (1 of 4 stars; one submission).

Conditions:
Mucopolysaccharidosis, MPS-II (MPS2). Also called: Hunter Syndrome; IDURONATE 2-SULFATASE DEFICIENCY; Mucopolysaccharidosis Type II; Mucopolysaccharidosis type 2; Attenuated MPS (subtype; formerly known as mild MPS II); Severe MPS II. Identifiers: Orphanet 580, Orphanet 79388, MedGen C0026705, MONDO:0010674, OMIM 309900.

Submission:

Laboratory of Diagnosis and Therapy of Lysosomal Disorders, University of Padova
Classification: Pathogenic for Mucopolysaccharidosis, MPS-II. Last evaluated: 2024-06-07. Review status: criteria provided, single submitter. Criteria: ACMG Guidelines, 2015. Collection method: literature only. Allele origin: germline. Affected: yes. Observed: 1 variant allele.
Comment: Absent from controls (or at low frequency) in gnomAD database (PM2_Moderate), Missense change at the same amino acid residue as a pathogenic variant (PM5_Moderate), Missense variant in a gene with a low rate of benign missense variation (PP2_Supporting), Multiple lines of computational evidence support a deleterious effect (PP3_Supporting), Patient’s phenotype or family history highly specific for the disease (PP4_Strong)

Classification method: ACMG Guidelines [PMID:25741868] with modifications

Literature cited by the submitters: PubMed 17391447.